The following is an entry in ClinVar:

ClinVar aggregate classification (germline): Benign. Review status: criteria provided, multiple submitters, no conflicts (2 of 4 stars). 3 submissions from 3 submitters: Benign (3). Last evaluated 2021-06-19.

Conditions:
Quebec platelet disorder (QPD). Also called: FACTOR V QUEBEC; BLEEDING DISORDER, PLATELET-TYPE, 5. Identifiers: Orphanet 220436, MedGen C1866423, MONDO:0011136, OMIM 601709.

Allele frequency attached by ClinVar (database versions not stated): 1000 Genomes Project 30x 0.37570; gnomAD exomes 0.51650; gnomAD 0.50380 and 0.51476; TOPMed 0.50492; 1000 Genomes Project 0.37161.
gnomAD v4.1: 361,201 of 701,926 alleles (51%); highest among the groups gnomAD compares: Middle Eastern, 67%; 99,198 homozygotes.

Submissions (3):

GeneDx
Classification: Benign. Last evaluated: 2021-06-19. Review status: criteria provided, single submitter. Criteria: GeneDx Variant Classification Process June 2021. Collection method: clinical testing. Allele origin: germline. Affected: yes.

Illumina Laboratory Services, Illumina
Classification: Benign for Quebec platelet disorder. Last evaluated: 2018-01-13. Review status: criteria provided, single submitter. Criteria: ICSL Variant Classification Criteria 13 December 2019. Collection method: clinical testing. Allele origin: germline.
Comment: This variant was observed in the ICSL laboratory as part of a predisposition screen in an ostensibly healthy population. It had not been previously curated by ICSL or reported in the Human Gene Mutation Database (HGMD: prior to June 1st, 2018), and was therefore a candidate for classification through an automated scoring system. Utilizing variant allele frequency, disease prevalence and penetrance estimates, and inheritance mode, an automated score was calculated to assess if this variant is too frequent to cause the disease. Based on the score and internal cut-off values, a variant classified as benign is not then subjected to further curation. The score for this variant resulted in a classification of benign for this disease.

Breakthrough Genomics
Classification: Benign. Review status: criteria provided, single submitter. Criteria: ACMG Guidelines, 2015. Collection method: not provided. Allele origin: germline. Inheritance: Autosomal dominant inheritance. Affected: yes.

NM_002658.6(PLAU):c.*141C>T

Genes: C10orf55 (chromosome 10 putative open reading frame 55; minus strand), PLAU (plasminogen activator, urokinase; plus strand). Cytogenetic location: 10q22.2.
Variant type: single nucleotide variant.
Coding change: c.*141C>T on transcript NM_002658.6 (MANE Select); 141 bases downstream of the stop codon, C replaced by T.
Molecular consequence: 3 prime UTR variant.
Genome position (GRCh38, 1-based): chr10:73,916,706, C>T. VCF-style: chr10-73916706-C-T. GRCh37 (hg19) VCF-style: chr10-75676464-C-T.
Other names: c.*141C>T (NM_001145031.3, NM_001319191.2).
Identifiers: ClinVar variation 300765 (VCV000300765.8), dbSNP rs4065, ClinGen allele CA10636288.
Genomic context (GRCh38, chr10:73,916,706, plus strand): 5'-AAGAAGAGACTGGGAAGATAGGCTCTGCACAGATGGATTTGCCTGTGCCACCCACCAGGG[C>T]GAACGACAATAGCTTTACCCTCAGGCATAGGCCTGGGTGCTGGCTGCCCAGACCCCTCTG-3'